The following is an entry in ClinVar:

NM_000273.3(GPR143):c.552dup (p.Glu185Ter)

Gene: GPR143 (G protein-coupled receptor 143; minus strand). Cytogenetic location: Xp22.2.
Variant type: Duplication.
Coding change: c.552dup on transcript NM_000273.3 (MANE Select); coding-DNA position 552, one base duplicated (T; older notation c.552dupT).
Protein change: p.Glu185Ter; replaces glutamic acid 185 with a stop codon.
Molecular consequence: nonsense.
Genome position (GRCh38, 1-based): chrX:9,746,150, A duplicated on the plus strand (T on the coding strand, the reverse complement: GPR143 is on the minus strand). VCF-style (leftmost placement, unchanged base first): chrX-9746149-C-CA. GRCh37 (hg19) VCF-style: chrX-9714189-C-CA.
Other names: short protein forms E185*.
Identifiers: ClinVar variation 1409162 (VCV001409162.6), dbSNP rs2146689576, ClinGen allele CA2573159520.

ClinVar aggregate classification (germline): Pathogenic (1 of 4 stars; one submission).

Submission:

Labcorp Genetics (formerly Invitae), Labcorp
Classification: Pathogenic. Last evaluated: 2021-06-28. Review status: criteria provided, single submitter. Criteria: Invitae Variant Classification Sherloc (09022015). Collection method: clinical testing. Allele origin: germline.
Comment: For these reasons, this variant has been classified as Pathogenic. This variant has not been reported in the literature in individuals affected with GPR143-related conditions. This variant is not present in population databases (ExAC no frequency). This sequence change creates a premature translational stop signal (p.Glu185*) in the GPR143 gene. It is expected to result in an absent or disrupted protein product. Loss-of-function variants in GPR143 are known to be pathogenic (PMID: 15965158, 18978956, 19390656, 21541274, 26160353, 28211458).

Literature cited by the submitters: PubMed 15965158; PubMed 18978956; PubMed 19390656; PubMed 21541274; PubMed 26160353; PubMed 28211458.